The following is an entry in ClinVar:

NM_007194.4(CHEK2):c.417_418dup (p.Ser140fs)

Gene: CHEK2 (checkpoint kinase 2; minus strand). Cytogenetic location: 22q12.1.
Variant type: Duplication.
Coding change: c.417_418dup on transcript NM_007194.4 (MANE Select); coding-DNA positions 417 to 418, 2 bases duplicated (CA; older notation c.417_418dupCA).
Protein change: p.Ser140fs; shifts the reading frame from serine 140.
Molecular consequence: frameshift variant.
Genome position (GRCh38, 1-based): chr22:28,725,269-28,725,270, TG duplicated on the plus strand (CA on the coding strand, the reverse complement: CHEK2 is on the minus strand); duplicating any 2 consecutive bases within chr22:28,725,269-28,725,271 gives the same sequence; the c. name uses the placement nearest the transcript's 3' end. VCF-style (leftmost placement, unchanged base first): chr22-28725268-C-CTG. GRCh37 (hg19) VCF-style: chr22-29121256-C-CTG.
Other names: c.545_546dup, p.Ser183Thrfs (NM_001005735.3); c.-362_-361dup (NM_001257387.3); c.416_417dup, p.Ser140Thrfs (NM_001349956.3, NM_145862.3); short protein forms S140fs, S183fs.
Identifiers: ClinVar variation 2821228 (VCV002821228.3), dbSNP rs2518058690, ClinGen allele CA2739265682.

ClinVar aggregate classification (germline): Pathogenic (1 of 4 stars; one submission).

Conditions:
Familial cancer of breast. Also called: BREAST CANCER, FAMILIAL; hereditary breast carcinoma; Hereditary breast cancer. Identifiers: Orphanet 227535, MedGen C0346153, MONDO:0016419, OMIM 114480. Disease mechanism: loss of function.

Submission:

Labcorp Genetics (formerly Invitae), Labcorp
Classification: Pathogenic for Familial cancer of breast. Last evaluated: 2022-12-15. Review status: criteria provided, single submitter. Criteria: Invitae Variant Classification Sherloc (09022015). Collection method: clinical testing. Allele origin: germline.
Comment: This variant is not present in population databases (gnomAD no frequency). For these reasons, this variant has been classified as Pathogenic. This variant has not been reported in the literature in individuals affected with CHEK2-related conditions. This sequence change creates a premature translational stop signal (p.Ser140Thrfs*22) in the CHEK2 gene. It is expected to result in an absent or disrupted protein product. Loss-of-function variants in CHEK2 are known to be pathogenic (PMID: 21876083, 24713400).

Literature cited by the submitters: PubMed 21876083; PubMed 24713400.